The following is an entry in ClinVar:

NM_001369369.1(FOXN1):c.1835A>G (p.His612Arg)

Gene: FOXN1 (forkhead box N1; plus strand). Cytogenetic location: 17q11.2.
Variant type: single nucleotide variant.
Coding change: c.1835A>G on transcript NM_001369369.1 (MANE Select); coding-DNA position 1835, A replaced by G.
Protein change: p.His612Arg; replaces histidine 612 with arginine.
Molecular consequence: missense variant.
Genome position (GRCh38, 1-based): chr17:28,537,324, A>G. VCF-style: chr17-28537324-A-G. GRCh37 (hg19) VCF-style: chr17-26864342-A-G.
Other names: c.1835A>G, p.His612Arg (NM_003593.3); short protein forms H612R.
Identifiers: ClinVar variation 2166054 (VCV002166054.4), dbSNP rs200484835, ClinGen allele CA8459639.
Genomic context (GRCh38, chr17:28,537,324, plus strand): 5'-GTGGGGCAGGTGACTTGGCAGCCCCGGGCAGTGGTGGCTCCGGGGCACTGGGTGACCTGC[A>G]CCTCACCACCCTCTACTCTGCCTTTATGGAGCTGGAGCCCACGCCCCCCACGGCCCCTGC-3'
Protein context (NP_001356298.1, residues 602-622): SGGSGALGDL[His612Arg]LTTLYSAFME

ClinVar aggregate classification (germline): Uncertain significance. Review status: criteria provided, multiple submitters, no conflicts (2 of 4 stars). 2 submissions from 2 submitters: Uncertain significance (2). Last evaluated 2025-10-21.

Conditions:
T-cell immunodeficiency, congenital alopecia, and nail dystrophy. Also called: Congenital alopecia and nail dystrophy associated with severe functional T-cell immunodeficiency; Pignata Guarino syndrome. Identifiers: Orphanet 169095, MedGen C1866426, MONDO:0011132, OMIM 601705.
Inborn genetic diseases. Identifiers: MedGen C0950123, MeSH D030342.

Allele frequency attached by ClinVar (database versions not stated): ExAC 0.00002; gnomAD 0.00003; ESP Exome Variant Server 0.00008.
gnomAD v4.1: 49 of 1,613,080 alleles (0.003%); highest among the groups gnomAD compares: Non-Finnish European, 0.0037%; no homozygotes.

Submissions (2):

Labcorp Genetics (formerly Invitae), Labcorp
Classification: Uncertain significance for T-cell immunodeficiency, congenital alopecia, and nail dystrophy. Last evaluated: 2025-10-21. Review status: criteria provided, single submitter. Criteria: Invitae Variant Classification Sherloc (09022015). Collection method: clinical testing. Allele origin: germline.
Comment: This sequence change replaces histidine, which is basic and polar, with arginine, which is basic and polar, at codon 612 of the FOXN1 protein (p.His612Arg). This variant is present in population databases (rs200484835, gnomAD 0.002%). This variant has not been reported in the literature in individuals affected with FOXN1-related conditions. ClinVar contains an entry for this variant (Variation ID: 2166054). Invitae Evidence Modeling of protein sequence and biophysical properties (such as structural, functional, and spatial information, amino acid conservation, physicochemical variation, residue mobility, and thermodynamic stability) indicates that this missense variant is not expected to disrupt FOXN1 protein function with a negative predictive value of 80%. In summary, the available evidence is currently insufficient to determine the role of this variant in disease. Therefore, it has been classified as a Variant of Uncertain Significance.

Ambry Genetics
Classification: Uncertain significance for Inborn genetic diseases. Last evaluated: 2025-08-25. Review status: criteria provided, single submitter. Criteria: Ambry Variant Classification Scheme 2023. Collection method: clinical testing. Allele origin: germline.